The following is an entry in ClinVar:

NM_000061.3(BTK):c.423del (p.Lys141fs)

Gene: BTK (Bruton tyrosine kinase; minus strand). Cytogenetic location: Xq22.1.
Variant type: Deletion.
Coding change: c.423del on transcript NM_000061.3 (MANE Select); coding-DNA position 423, one base deleted (A; older notation c.423delA).
Protein change: p.Lys141fs; shifts the reading frame from lysine 141.
Molecular consequence: frameshift variant.
Genome position (GRCh38, 1-based): chrX:101,362,658, T deleted on the plus strand (A on the coding strand, the reverse complement: BTK is on the minus strand); the first of 3 consecutive T bases (chrX:101,362,658-101,362,660); deleting any one gives the same sequence. VCF-style (leftmost placement, unchanged base first): chrX-101362657-AT-A. GRCh37 (hg19) VCF-style: chrX-100617645-AT-A.
Other names: c.423delA (NM_000061.3); c.525del, p.Lys175fs (NM_001287344.2); c.423del, p.Lys141fs (NM_001287345.2); short protein forms K175fs, K141fs.
Identifiers: ClinVar variation 3658827 (VCV003658827.3).
Genomic context (GRCh38, chrX:101,362,657, plus strand): 5'-CATTTTTGGCTGTCTGAGAGCAGCAGAGATACTGCCCATCGATCCAGAAGCAAGGGTGAT[AT>A]TTCTGAACCAGATCACTGTTGTACCGGATTACTGTAGCAGGAAAGAAGAGAGAGATCACA-3'

ClinVar aggregate classification (germline): Pathogenic. Review status: criteria provided, multiple submitters, no conflicts (2 of 4 stars). 2 submissions from 2 submitters: Pathogenic (2). Last evaluated 2026-01-05.

Conditions:
X-linked agammaglobulinemia (XLA). Also called: Agammaglobulinemia, Bruton tyrosine kinase; Agammaglobulinemia, BTK; BTK-deficiency; Bruton's agammaglobulinemia; AGAMMAGLOBULINEMIA, X-LINKED, TYPE 1; IMMUNODEFICIENCY 1. Identifiers: Orphanet 229717, Orphanet 47, MedGen C0221026, MONDO:0010421, OMIM 300755.
X-linked agammaglobulinemia with growth hormone deficiency (IGHD3). Also called: Isolated growth hormone deficiency type 3; Growth hormone deficiency with hypogammaglobulinemia; AGAMMAGLOBULINEMIA AND ISOLATED GROWTH HORMONE DEFICIENCY, X-LINKED; FLEISHER SYNDROME; HYPOGAMMAGLOBULINEMIA AND ISOLATED GROWTH HORMONE DEFICIENCY, X-LINKED; IGHD III. Identifiers: Orphanet 231692, Orphanet 631, MedGen C0472813, MONDO:0010615, OMIM 307200.

Submissions (2):

Women's Health and Genetics/Laboratory Corporation of America, LabCorp
Classification: Pathogenic for X-linked agammaglobulinemia. Last evaluated: 2026-01-05. Review status: criteria provided, single submitter. Criteria: LabCorp Variant Classification Summary - May 2015. Collection method: clinical testing. Allele origin: germline.
Comment: Variant summary: BTK c.423delA (p.Lys141AsnfsX35) results in a premature termination codon, predicted to cause a truncation of the encoded protein or absence of the protein due to nonsense mediated decay, which are commonly known mechanisms for disease. The variant was absent in 182837 control chromosomes. To our knowledge, no occurrence of c.423delA in individuals affected with BTK-related conditions and no experimental evidence demonstrating its impact on protein function have been reported. ClinVar contains an entry for this variant (Variation ID: 3658827). Based on the evidence outlined above, the variant was classified as pathogenic.

Labcorp Genetics (formerly Invitae), Labcorp
Classification: Pathogenic for X-linked agammaglobulinemia with growth hormone deficiency. Last evaluated: 2024-07-05. Review status: criteria provided, single submitter. Criteria: Invitae Variant Classification Sherloc (09022015). Collection method: clinical testing. Allele origin: germline.
Comment: This sequence change creates a premature translational stop signal (p.Lys141Asnfs*35) in the BTK gene. It is expected to result in an absent or disrupted protein product. Loss-of-function variants in BTK are known to be pathogenic (PMID: 15661032, 16862044, 19419768). This variant is not present in population databases (gnomAD no frequency). This variant has not been reported in the literature in individuals affected with BTK-related conditions. For these reasons, this variant has been classified as Pathogenic.

Literature cited by the submitters: PubMed 15661032 (cited by Labcorp Genetics (formerly Invitae), Labcorp); PubMed 16862044 (cited by Labcorp Genetics (formerly Invitae), Labcorp); PubMed 19419768 (cited by Labcorp Genetics (formerly Invitae), Labcorp).